The following is an entry in ClinVar:

NM_000051.4(ATM):c.7511T>A (p.Met2504Lys)

Genes: ATM (ATM serine/threonine kinase; plus strand), C11orf65 (chromosome 11 open reading frame 65; minus strand). Cytogenetic location: 11q22.3.
Variant type: single nucleotide variant.
Coding change: c.7511T>A on transcript NM_000051.4 (MANE Select); coding-DNA position 7511, T replaced by A.
Protein change: p.Met2504Lys; replaces methionine 2504 with lysine.
Molecular consequence: missense variant. On other transcripts: intron variant (2).
Genome position (GRCh38, 1-based): chr11:108,330,417, T>A. VCF-style: chr11-108330417-T-A. GRCh37 (hg19) VCF-style: chr11-108201144-T-A.
Other names: c.7511T>A, p.Met2504Lys (NM_001351834.2); c.641-21346A>T (NM_001330368.2); c.*38+4803A>T (NM_001351110.2); short protein forms M2504K.
Identifiers: ClinVar variation 1013737 (VCV001013737.9), dbSNP rs1060501644, ClinGen allele CA382560604.
Genomic context (GRCh38, chr11:108,330,417, plus strand): 5'-TATTCCGACTTTGTTCCCTCTGGCTTGAAAATTCTGGAGTTTCTGAAGTCAATGGCATGA[T>A]GAAGGCAAGTGTTACTCAGCCCAATATTCTACCCTGTGCTTGAAAAACTTAGACATAAGC-3'
Protein context (NP_000042.3, residues 2494-2514): NSGVSEVNGM[Met2504Lys]KRDGMKIPTY

ClinVar aggregate classification (germline): Uncertain significance (1 of 4 stars; one submission).

Conditions:
Ataxia-telangiectasia syndrome (AT). Also called: Ataxia telangiectasia (A-T); ATAXIA-TELANGIECTASIA, COMPLEMENTATION GROUP A; ATAXIA-TELANGIECTASIA, FRESNO VARIANT; Ataxia-telangiectasia; Ataxia-telangiectasia, complementation group E; LOUIS-BAR SYNDROME. Identifiers: Orphanet 100, MedGen C0004135, MONDO:0008840, OMIM 208900.

Submission:

Labcorp Genetics (formerly Invitae), Labcorp
Classification: Uncertain significance for Ataxia-telangiectasia syndrome. Last evaluated: 2020-08-03. Review status: criteria provided, single submitter. Criteria: Invitae Variant Classification Sherloc (09022015). Collection method: clinical testing. Allele origin: germline.
Comment: In summary, the available evidence is currently insufficient to determine the role of this variant in disease. Therefore, it has been classified as a Variant of Uncertain Significance. Advanced modeling of protein sequence and biophysical properties (such as structural, functional, and spatial information, amino acid conservation, physicochemical variation, residue mobility, and thermodynamic stability) performed at Invitae indicates that this missense variant is expected to disrupt ATM protein function. This variant has not been reported in the literature in individuals with ATM-related conditions. This variant is not present in population databases (ExAC no frequency). This sequence change replaces methionine with lysine at codon 2504 of the ATM protein (p.Met2504Lys). The methionine residue is moderately conserved and there is a moderate physicochemical difference between methionine and lysine.